The following is an entry in ClinVar:

NM_001953.5(TYMP):c.1436C>T (p.Pro479Leu)

Genes: SCO2 (synthesis of cytochrome C oxidase 2; minus strand), TYMP (thymidine phosphorylase; minus strand), LOC130067862 (ATAC-STARR-seq lymphoblastoid silent region 13986; plus strand). Cytogenetic location: 22q13.33.
Variant type: single nucleotide variant.
Coding change: c.1436C>T on transcript NM_001953.5 (MANE Select); coding-DNA position 1436, C replaced by T.
Protein change: p.Pro479Leu; replaces proline 479 with leucine.
Molecular consequence: missense variant. On other transcripts: intron variant (2).
Genome position (GRCh38, 1-based): chr22:50,525,783, G>A on the plus strand (C>T on the coding strand, the complement: TYMP is on the minus strand). VCF-style: chr22-50525783-G-A. GRCh37 (hg19) VCF-style: chr22-50964212-G-A.
Other names: c.1436C>T, p.Pro479Leu (NM_001113755.3, NM_001113756.3, NM_001257988.1); c.1451C>T, p.Pro484Leu (NM_001257989.1); c.-14+463C>T (NM_001169109.2); c.-14+218C>T (NM_001169110.1); short protein forms P479L, P484L.
Identifiers: ClinVar variation 4696768 (VCV004696768.1).

ClinVar aggregate classification (germline): Uncertain significance (1 of 4 stars; one submission).

gnomAD v4.1: 3 of 1,610,866 alleles (0.00019%); highest among the groups gnomAD compares: East Asian, 0.0022%; no homozygotes.

Submission:

Labcorp Genetics (formerly Invitae), Labcorp
Classification: Uncertain significance. Last evaluated: 2025-07-02. Review status: criteria provided, single submitter. Criteria: Invitae Variant Classification Sherloc (09022015). Collection method: clinical testing. Allele origin: germline.
Comment: This sequence change replaces proline, which is neutral and non-polar, with leucine, which is neutral and non-polar, at codon 479 of the TYMP protein (p.Pro479Leu). The frequency data for this variant in the population databases is considered unreliable, as metrics indicate poor data quality at this position in the gnomAD database. This variant has not been reported in the literature in individuals affected with TYMP-related conditions. Invitae Evidence Modeling of protein sequence and biophysical properties (such as structural, functional, and spatial information, amino acid conservation, physicochemical variation, residue mobility, and thermodynamic stability) indicates that this missense variant is not expected to disrupt TYMP protein function with a negative predictive value of 95%. In summary, the available evidence is currently insufficient to determine the role of this variant in disease. Therefore, it has been classified as a Variant of Uncertain Significance.